The following is an entry in ClinVar:

ClinVar aggregate classification (germline): Likely benign (1 of 4 stars; one submission).

Submission:

CeGaT Center for Human Genetics Tuebingen
Classification: Likely benign. Last evaluated: 2025-09-01. Review status: criteria provided, single submitter. Criteria: CeGaT Center For Human Genetics Tuebingen Variant Classification Criteria Version 2. Collection method: clinical testing. Allele origin: germline. Affected: yes. Observed: 4 variant alleles.
Comment: FAM27A: PM2:Supporting, BP4, BP7

NC_000001.11:g.125066681G>T

Variant type: single nucleotide variant.
Genome position: GRCh38 VCF-style: chr1-125066681-G-T.
Identifiers: ClinVar variation 2659223 (VCV002659223.23), dbSNP rs1241374389, ClinGen allele CA887881514.